The following is an entry in ClinVar:

NM_001355436.2(SPTB):c.5951dup (p.Gln1985fs)

Gene: SPTB (spectrin beta, erythrocytic; minus strand). Cytogenetic location: 14q23.3.
Variant type: Duplication.
Coding change: c.5951dup on transcript NM_001355436.2 (MANE Select); coding-DNA position 5951, one base duplicated (T; older notation c.5951dupT).
Protein change: p.Gln1985fs; shifts the reading frame from glutamine 1985.
Molecular consequence: frameshift variant.
Genome position (GRCh38, 1-based): chr14:64,769,105, A duplicated on the plus strand (T on the coding strand, the reverse complement: SPTB is on the minus strand). VCF-style (leftmost placement, unchanged base first): chr14-64769104-C-CA. GRCh37 (hg19) VCF-style: chr14-65235822-C-CA.
Other names: c.5951dup, p.Gln1985fs (NM_001024858.4, NM_001355437.2); short protein forms Q1985fs.
Identifiers: ClinVar variation 5001938 (VCV005001938.1).

ClinVar aggregate classification (germline): Likely pathogenic (1 of 4 stars; one submission).

Conditions:
SPTB-related disorder. Also called: SPTB-Related Disorders; SPTB-related condition.

Submission:

PreventionGenetics, part of Exact Sciences
Classification: Likely pathogenic for SPTB-related condition. Last evaluated: 2025-01-29. Review status: criteria provided, single submitter. Criteria: ACMG Guidelines, 2015. Collection method: clinical testing. Allele origin: germline.
Comment: The SPTB c.5951dupT variant is predicted to result in a frameshift and premature protein termination (p.Gln1985Alafs*12). To our knowledge, this variant has not been reported in the literature or in a large population database (gnomAD), indicating this variant is rare. Frameshift variants in SPTB are expected to be pathogenic. This variant is interpreted as likely pathogenic.